The following is an entry in ClinVar:

NM_001018113.3(FANCB):c.1345C>G (p.Leu449Val)

Gene: FANCB (FA complementation group B; minus strand). Cytogenetic location: Xp22.2.
Variant type: single nucleotide variant.
Coding change: c.1345C>G on transcript NM_001018113.3 (MANE Select); coding-DNA position 1345, C replaced by G.
Protein change: p.Leu449Val; replaces leucine 449 with valine.
Molecular consequence: missense variant.
Genome position (GRCh38, 1-based): chrX:14,850,656, G>C on the plus strand (C>G on the coding strand, the complement: FANCB is on the minus strand). VCF-style: chrX-14850656-G-C. GRCh37 (hg19) VCF-style: chrX-14868778-G-C.
Other names: c.1345C>G, p.Leu449Val (NM_001324162.2, NM_001410764.1, NM_152633.4); short protein forms L449V.
Identifiers: ClinVar variation 3620378 (VCV003620378.2).
Genomic context (GRCh38, chrX:14,850,656, plus strand): 5'-GAAAATTGTCTGATAACTTTTCATCTAAGATATGGACAGAATTTTCTTCTTCACCACAAA[G>C]AGGAACAAGACATTCCTTCTAAAAAAAAAAGTTTAAATAACTGATTATAAAATACGTACC-3'
Protein context (NP_001018123.1, residues 439-459): SAEEKECLVP[Leu449Val]CGEEENSVHI

ClinVar aggregate classification (germline): Uncertain significance (1 of 4 stars; one submission).

Conditions:
Fanconi anemia (FA). Also called: Fanconi's anemia. Identifiers: Orphanet 84, MedGen C0015625, MeSH D005199, MONDO:0019391.

gnomAD v4.1: 4 of 1,161,334 alleles (0.00034%); highest among the groups gnomAD compares: African/African-American, 0.0018%; no homozygotes.

Submission:

Labcorp Genetics (formerly Invitae), Labcorp
Classification: Uncertain significance for Fanconi anemia. Last evaluated: 2024-11-28. Review status: criteria provided, single submitter. Criteria: Invitae Variant Classification Sherloc (09022015). Collection method: clinical testing. Allele origin: germline.
Comment: This sequence change replaces leucine, which is neutral and non-polar, with valine, which is neutral and non-polar, at codon 449 of the FANCB protein (p.Leu449Val). This variant is present in population databases (rs781260236, gnomAD 0.009%). This variant has not been reported in the literature in individuals affected with FANCB-related conditions. Invitae Evidence Modeling of protein sequence and biophysical properties (such as structural, functional, and spatial information, amino acid conservation, physicochemical variation, residue mobility, and thermodynamic stability) indicates that this missense variant is expected to disrupt FANCB protein function with a positive predictive value of 80%. In summary, the available evidence is currently insufficient to determine the role of this variant in disease. Therefore, it has been classified as a Variant of Uncertain Significance.